The following is an entry in ClinVar:

NM_005012.4(ROR1):c.2234G>A (p.Arg745Gln)

Gene: ROR1 (receptor tyrosine kinase like orphan receptor 1; plus strand). Cytogenetic location: 1p31.3.
Variant type: single nucleotide variant.
Coding change: c.2234G>A on transcript NM_005012.4 (MANE Select); coding-DNA position 2234, G replaced by A.
Protein change: p.Arg745Gln; replaces arginine 745 with glutamine.
Molecular consequence: missense variant.
Genome position (GRCh38, 1-based): chr1:64,178,275, G>A. VCF-style: chr1-64178275-G-A. GRCh37 (hg19) VCF-style: chr1-64643958-G-A.
Other names: short protein forms R745Q.
Identifiers: ClinVar variation 2994514 (VCV002994514.3), dbSNP rs1215407083, ClinGen allele CA340646347.
Genomic context (GRCh38, chr1:64,178,275, plus strand): 5'-TGACAGAGTGCTGGAATGAGATTCCTTCTAGGAGACCAAGATTTAAAGATATTCACGTCC[G>A]GCTTCGGTCCTGGGAGGGACTCTCAAGTCACACAAGCTCTACTACTCCTTCAGGGGGAAA-3'
Protein context (NP_005003.2, residues 735-755): RRPRFKDIHV[Arg745Gln]LRSWEGLSSH

ClinVar aggregate classification (germline): Uncertain significance (1 of 4 stars; one submission).

Allele frequency attached by ClinVar (database versions not stated): gnomAD exomes 0.00001; TOPMed 0.00002; gnomAD 0.00002.
gnomAD v4.1: 13 of 1,614,018 alleles (0.00081%); highest among the groups gnomAD compares: Middle Eastern, 0.016%; no homozygotes.

Submission:

Labcorp Genetics (formerly Invitae), Labcorp
Classification: Uncertain significance. Last evaluated: 2025-09-14. Review status: criteria provided, single submitter. Criteria: Invitae Variant Classification Sherloc (09022015). Collection method: clinical testing. Allele origin: germline.
Comment: This sequence change replaces arginine, which is basic and polar, with glutamine, which is neutral and polar, at codon 745 of the ROR1 protein (p.Arg745Gln). This variant is present in population databases (no rsID available, gnomAD 0.007%). This variant has not been reported in the literature in individuals affected with ROR1-related conditions. ClinVar contains an entry for this variant (Variation ID: 2994514). Invitae Evidence Modeling of protein sequence and biophysical properties (such as structural, functional, and spatial information, amino acid conservation, physicochemical variation, residue mobility, and thermodynamic stability) indicates that this missense variant is expected to disrupt ROR1 protein function with a positive predictive value of 80%. In summary, the available evidence is currently insufficient to determine the role of this variant in disease. Therefore, it has been classified as a Variant of Uncertain Significance.